The following is an entry in ClinVar:

ClinVar aggregate classification (germline): Uncertain significance (1 of 4 stars; one submission).

Allele frequency attached by ClinVar (database versions not stated): gnomAD exomes below 0.00001.
gnomAD v4.1: 1 of 1,606,394 alleles (0.000062%); highest among the groups gnomAD compares: African/African-American, 0.0013%; no homozygotes.

Submission:

Labcorp Genetics (formerly Invitae), Labcorp
Classification: Uncertain significance. Last evaluated: 2023-04-24. Review status: criteria provided, single submitter. Criteria: Invitae Variant Classification Sherloc (09022015). Collection method: clinical testing. Allele origin: germline.
Comment: ClinVar contains an entry for this variant (Variation ID: 2094820). This variant has not been reported in the literature in individuals affected with PACS2-related conditions. This variant is not present in population databases (gnomAD no frequency). This sequence change replaces leucine, which is neutral and non-polar, with phenylalanine, which is neutral and non-polar, at codon 517 of the PACS2 protein (p.Leu517Phe). In summary, the available evidence is currently insufficient to determine the role of this variant in disease. Therefore, it has been classified as a Variant of Uncertain Significance. Advanced modeling of protein sequence and biophysical properties (such as structural, functional, and spatial information, amino acid conservation, physicochemical variation, residue mobility, and thermodynamic stability) performed at Invitae indicates that this missense variant is not expected to disrupt PACS2 protein function.

NM_001100913.3(PACS2):c.1549C>T (p.Leu517Phe)

Gene: PACS2 (phosphofurin acidic cluster sorting protein 2; plus strand). Cytogenetic location: 14q32.33.
Variant type: single nucleotide variant.
Coding change: c.1549C>T on transcript NM_001100913.3 (MANE Select); coding-DNA position 1549, C replaced by T.
Protein change: p.Leu517Phe; replaces leucine 517 with phenylalanine.
Molecular consequence: missense variant.
Genome position (GRCh38, 1-based): chr14:105,382,837, C>T. VCF-style: chr14-105382837-C-T. GRCh37 (hg19) VCF-style: chr14-105849174-C-T.
Other names: c.1312C>T, p.Leu438Phe (NM_001243127.3); c.1537C>T, p.Leu513Phe (NM_015197.4); short protein forms L438F, L517F, L513F.
Identifiers: ClinVar variation 2094820 (VCV002094820.4), dbSNP rs2544813211, ClinGen allele CA391182699.